The following is an entry in ClinVar:

ClinVar aggregate classification (germline): Uncertain significance (1 of 4 stars; one submission).

Conditions:
Tuberous sclerosis 2 (TSC2). Identifiers: Orphanet 805, MedGen C1860707, MONDO:0013199, OMIM 613254.

Submission:

Labcorp Genetics (formerly Invitae), Labcorp
Classification: Uncertain significance for Tuberous sclerosis 2. Last evaluated: 2024-04-06. Review status: criteria provided, single submitter. Criteria: Invitae Variant Classification Sherloc (09022015). Collection method: clinical testing. Allele origin: germline.
Comment: This sequence change replaces alanine, which is neutral and non-polar, with proline, which is neutral and non-polar, at codon 306 of the TSC2 protein (p.Ala306Pro). This variant is not present in population databases (gnomAD no frequency). This variant has not been reported in the literature in individuals affected with TSC2-related conditions. Advanced modeling of protein sequence and biophysical properties (such as structural, functional, and spatial information, amino acid conservation, physicochemical variation, residue mobility, and thermodynamic stability) performed at Invitae indicates that this missense variant is not expected to disrupt TSC2 protein function with a negative predictive value of 95%. In summary, the available evidence is currently insufficient to determine the role of this variant in disease. Therefore, it has been classified as a Variant of Uncertain Significance.

NM_000548.5(TSC2):c.916G>C (p.Ala306Pro)

Gene: TSC2 (TSC complex subunit 2; plus strand). Cytogenetic location: 16p13.3.
Variant type: single nucleotide variant.
Coding change: c.916G>C on transcript NM_000548.5 (MANE Select); coding-DNA position 916, G replaced by C.
Protein change: p.Ala306Pro; replaces alanine 306 with proline.
Molecular consequence: missense variant. On other transcripts: 5 prime UTR variant (10), non-coding transcript variant (5).
Genome position (GRCh38, 1-based): chr16:2,058,814, G>C. VCF-style: chr16-2058814-G-C. GRCh37 (hg19) VCF-style: chr16-2108815-G-C.
Other names: c.-516G>C (NM_001406693.1, NM_001406696.1, NM_001406697.1 and 4 more transcripts); c.-397G>C (NM_001406694.1, NM_001406695.1); c.-692G>C (NM_001406698.1); c.916G>C, p.Ala306Pro (NM_021055.3, NM_001077183.3, NM_001114382.3 and 6 more transcripts); c.805G>C, p.Ala269Pro (NM_001318827.2, NM_001406670.1, NM_001406678.1); c.769G>C, p.Ala257Pro (NM_001318829.2, NM_001406675.1, NM_001406676.1 and 1 more transcripts); c.316G>C, p.Ala106Pro (NM_001318831.2, NM_001406683.1, NM_001406684.1 and 6 more transcripts); c.949G>C, p.Ala317Pro (NM_001318832.2); and 4 more; short protein forms A152P, A257P, A269P, A106P, A317P, A336P, A287P, A302P.
Identifiers: ClinVar variation 3637178 (VCV003637178.2).
Genomic context (GRCh38, chr16:2,058,814, plus strand): 5'-ATGGAGGACGCGCCCCTGCTGAGAGGAGCCGTGTTTTTTGTGGGCATGGCTCTCTGGGGA[G>C]CCCACCGGCTCTATTCTCTCAGGAACTCGCCGACATCTGTGTTGCCATCATTTTACCAGG-3'
Protein context (NP_000539.2, residues 296-316): VFFVGMALWG[Ala306Pro]HRLYSLRNSP